The following is an entry in ClinVar:

NM_022489.4(INF2):c.*16C>T

Gene: INF2 (inverted formin 2; plus strand). Cytogenetic location: 14q32.33.
Variant type: single nucleotide variant.
Coding change: c.*16C>T on transcript NM_022489.4 (MANE Select); 16 bases downstream of the stop codon, C replaced by T.
Molecular consequence: 3 prime UTR variant. On other transcripts: missense variant (1).
Genome position (GRCh38, 1-based): chr14:104,718,809, C>T. VCF-style: chr14-104718809-C-T. GRCh37 (hg19) VCF-style: chr14-105185146-C-T.
Other names: c.3709C>T, p.Pro1237Ser (NM_001031714.4); short protein forms P1237S.
Identifiers: ClinVar variation 312714 (VCV000312714.16), dbSNP rs199912466, ClinGen allele CA7373443.

ClinVar aggregate classification (germline): Benign/Likely benign. Review status: criteria provided, multiple submitters, no conflicts (2 of 4 stars). 5 submissions from 5 submitters: Benign (2); Likely benign (3). Last evaluated 2026-05-11.

Conditions:
Focal segmental glomerulosclerosis 5 (FSGS5). Identifiers: Orphanet 656, MedGen C2750475, MONDO:0013191, OMIM 613237.
Inborn genetic diseases. Identifiers: MedGen C0950123, MeSH D030342.

Allele frequency attached by ClinVar (database versions not stated): ESP Exome Variant Server 0.00033; gnomAD exomes 0.00053 and 0.00064; TOPMed 0.00063; 1000 Genomes Project 30x 0.00016; ExAC 0.00049; gnomAD 0.00057 and 0.00058.
gnomAD v4.1: 1,024 of 1,613,044 alleles (0.063%); highest among the groups gnomAD compares: Admixed American, 0.1%; 3 homozygotes.

Submissions (5):

Women's Health and Genetics/Laboratory Corporation of America, LabCorp
Classification: Benign. Last evaluated: 2026-05-11. Review status: criteria provided, single submitter. Criteria: LabCorp Variant Classification Summary - May 2015. Collection method: clinical testing. Allele origin: germline.
Comment: Variant summary: INF2 c.*16C>T is located in the untranslated mRNA region downstream of the termination codon. The variant allele was found at a frequency of 0.00053 in 245028 control chromosomes. The observed variant frequency exceeds the estimated maximal expected allele frequency for disease-causing variants in INF2. To our knowledge, no occurrence of c.*16C>T in individuals affected with INF2-related conditions and no experimental evidence demonstrating its impact on protein function have been reported. ClinVar contains an entry for this variant (Variation ID: 312714). Based on the evidence outlined above, the variant was classified as benign.

Ambry Genetics
Classification: Likely benign for Inborn genetic diseases. Last evaluated: 2023-04-24. Review status: criteria provided, single submitter. Criteria: Ambry Variant Classification Scheme 2023. Collection method: clinical testing. Allele origin: germline.

ARUP Laboratories, Molecular Genetics and Genomics, ARUP Laboratories
Classification: Likely benign. Last evaluated: 2019-05-24. Review status: criteria provided, single submitter. Criteria: ARUP Molecular Germline Variant Investigation Process. Collection method: clinical testing. Allele origin: germline.

Illumina Laboratory Services, Illumina
Classification: Benign for Focal segmental glomerulosclerosis 5. Last evaluated: 2018-01-13. Review status: criteria provided, single submitter. Criteria: ICSL Variant Classification Criteria 13 December 2019. Collection method: clinical testing. Allele origin: germline.
Comment: This variant was observed in the ICSL laboratory as part of a predisposition screen in an ostensibly healthy population. It had not been previously curated by ICSL or reported in the Human Gene Mutation Database (HGMD: prior to June 1st, 2018), and was therefore a candidate for classification through an automated scoring system. Utilizing variant allele frequency, disease prevalence and penetrance estimates, and inheritance mode, an automated score was calculated to assess if this variant is too frequent to cause the disease. Based on the score and internal cut-off values, a variant classified as benign is not then subjected to further curation. The score for this variant resulted in a classification of benign for this disease.

GeneDx
Classification: Likely benign. Last evaluated: 2017-12-21. Review status: criteria provided, single submitter. Criteria: GeneDx Variant Classification Process June 2021. Collection method: clinical testing. Allele origin: germline. Affected: yes.